The following is an entry in ClinVar:

ClinVar aggregate classification (germline): Uncertain significance (1 of 4 stars; one submission).

Submission:

Labcorp Genetics (formerly Invitae), Labcorp
Classification: Uncertain significance. Last evaluated: 2022-03-18. Review status: criteria provided, single submitter. Criteria: Invitae Variant Classification Sherloc (09022015). Collection method: clinical testing. Allele origin: germline.
Comment: In summary, the available evidence is currently insufficient to determine the role of this variant in disease. Therefore, it has been classified as a Variant of Uncertain Significance. This sequence change replaces alanine, which is neutral and non-polar, with valine, which is neutral and non-polar, at codon 189 of the ITM2B protein (p.Ala189Val). This variant is not present in population databases (gnomAD no frequency). This variant has not been reported in the literature in individuals affected with ITM2B-related conditions. Algorithms developed to predict the effect of missense changes on protein structure and function are either unavailable or do not agree on the potential impact of this missense change (SIFT: "Tolerated"; PolyPhen-2: "Probably Damaging"; Align-GVGD: "Class C0"). Algorithms developed to predict the effect of sequence changes on RNA splicing suggest that this variant may create or strengthen a splice site.

NM_021999.5(ITM2B):c.566C>T (p.Ala189Val)

Gene: ITM2B (integral membrane protein 2B; plus strand). Cytogenetic location: 13q14.2.
Variant type: single nucleotide variant.
Coding change: c.566C>T on transcript NM_021999.5 (MANE Select); coding-DNA position 566, C replaced by T.
Protein change: p.Ala189Val; replaces alanine 189 with valine.
Molecular consequence: missense variant.
Genome position (GRCh38, 1-based): chr13:48,258,798, C>T. VCF-style: chr13-48258798-C-T. GRCh37 (hg19) VCF-style: chr13-48832934-C-T.
Other names: short protein forms A189V.
Identifiers: ClinVar variation 1423480 (VCV001423480.6), dbSNP rs1244495796, ClinGen allele CA388251760.